The following is an entry in ClinVar:

ClinVar aggregate classification (germline): Uncertain significance (1 of 4 stars; one submission).

Conditions:
Familial adenomatous polyposis 1 (FAP1). Also called: FAMILIAL ADENOMATOUS POLYPOSIS 1, ATTENUATED; POLYPOSIS, ADENOMATOUS INTESTINAL. Identifiers: MedGen C2713442, MONDO:0021056, OMIM 175100. Disease mechanism: loss of function.

Submission:

Labcorp Genetics (formerly Invitae), Labcorp
Classification: Uncertain significance for Familial adenomatous polyposis 1. Last evaluated: 2018-12-29. Review status: criteria provided, single submitter. Criteria: Invitae Variant Classification Sherloc (09022015). Collection method: clinical testing. Allele origin: germline.
Comment: This variant occurs in a non-coding region of the APC gene. It does not change the encoded amino acid sequence of the APC protein. The frequency data for this variant in the population databases is considered unreliable, as metrics indicate insufficient coverage at this position in the ExAC database. This variant has not been reported in the literature in individuals with APC-related conditions. Experimental studies and prediction algorithms are not available for this variant, and the functional significance of this non-coding change is currently unknown. In summary, the available evidence is currently insufficient to determine the role of this variant in disease. Therefore, it has been classified as a Variant of Uncertain Significance.

NM_001127511.3(APC):c.107A>G (p.Gln36Arg)

Gene: APC (APC regulator of Wnt signaling pathway; plus strand). Cytogenetic location: 5q22.2.
Variant type: single nucleotide variant.
Coding change: c.107A>G on transcript NM_001127511.3; coding-DNA position 107, A replaced by G.
Protein change: p.Gln36Arg; replaces glutamine 36 with arginine.
Molecular consequence: missense variant. On other transcripts: 5 prime UTR variant (8), non-coding transcript variant (1), intron variant (5).
Genome position (GRCh38, 1-based): chr5:112,707,824, A>G. VCF-style: chr5-112707824-A-G. GRCh37 (hg19) VCF-style: chr5-112043521-A-G.
Other names: c.-77A>G (NM_001354895.2, NM_001407447.1, NM_001407452.1 and 3 more transcripts); c.107A>G, p.Gln36Arg (NM_001354897.2, NM_001354902.2, NM_001407446.1); c.-1112A>G (NM_001407470.1, NM_001407472.1); c.-19+175A>G (NM_001407448.1, NM_001407450.1, NM_001407457.1 and 1 more transcripts); c.-43+175A>G (NM_001407453.1); short protein forms Q36R.
Identifiers: ClinVar variation 659012 (VCV000659012.9), dbSNP rs1580997050, ClinGen allele CA360611999.